The following is an entry in ClinVar:

NM_020987.5(ANK3):c.8066T>C (p.Val2689Ala)

Gene: ANK3 (ankyrin 3; minus strand). Cytogenetic location: 10q21.2.
Variant type: single nucleotide variant.
Coding change: c.8066T>C on transcript NM_020987.5 (MANE Select); coding-DNA position 8066, T replaced by C.
Protein change: p.Val2689Ala; replaces valine 2689 with alanine.
Molecular consequence: missense variant. On other transcripts: intron variant (4).
Genome position (GRCh38, 1-based): chr10:60,072,815, A>G on the plus strand (T>C on the coding strand, the complement: ANK3 is on the minus strand). VCF-style: chr10-60072815-A-G. GRCh37 (hg19) VCF-style: chr10-61832573-A-G.
Other names: c.4388-4806T>C (NM_001204403.2); c.4409-4806T>C (NM_001204404.2); c.4406-4806T>C (NM_001320874.2); c.1808-4806T>C (NM_001149.4); short protein forms V2689A.
Identifiers: ClinVar variation 1500629 (VCV001500629.8), dbSNP rs1188787464, ClinGen allele CA377008667.
Genomic context (GRCh38, chr10:60,072,815, plus strand): 5'-TGGAATCCAGACTGGGGCCCATCTGGTGCTTTGCTCTGTGAAATACTTCCTTTGGCTTCC[A>G]CTGTGGACTTGCTGTCCTCAGTCTGTTGGGAGAGAACCATCTTCTCTGGGCTGCTGGGCA-3'
Protein context (NP_066267.2, residues 2679-2699): SQQTEDSKST[Val2689Ala]EAKGSISQSK

ClinVar aggregate classification (germline): Uncertain significance (1 of 4 stars; one submission).

Allele frequency attached by ClinVar (database versions not stated): gnomAD exomes below 0.00001.
gnomAD v4.1: 2 of 1,613,996 alleles (0.00012%); highest among the groups gnomAD compares: Non-Finnish European, 0.00017%; no homozygotes.

Submission:

Labcorp Genetics (formerly Invitae), Labcorp
Classification: Uncertain significance. Last evaluated: 2023-07-17. Review status: criteria provided, single submitter. Criteria: Invitae Variant Classification Sherloc (09022015). Collection method: clinical testing. Allele origin: germline.
Comment: In summary, the available evidence is currently insufficient to determine the role of this variant in disease. Therefore, it has been classified as a Variant of Uncertain Significance. Advanced modeling of protein sequence and biophysical properties (such as structural, functional, and spatial information, amino acid conservation, physicochemical variation, residue mobility, and thermodynamic stability) performed at Invitae indicates that this missense variant is not expected to disrupt ANK3 protein function. ClinVar contains an entry for this variant (Variation ID: 1500629). This variant has not been reported in the literature in individuals affected with ANK3-related conditions. This variant is not present in population databases (gnomAD no frequency). This sequence change replaces valine, which is neutral and non-polar, with alanine, which is neutral and non-polar, at codon 2689 of the ANK3 protein (p.Val2689Ala).